The following is an entry in ClinVar:

ClinVar aggregate classification (germline): Uncertain significance (1 of 4 stars; one submission).

gnomAD v4.1: 16 of 1,613,548 alleles (0.00099%); highest among the groups gnomAD compares: African/African-American, 0.0067%; 1 homozygote.

Submission:

Labcorp Genetics (formerly Invitae), Labcorp
Classification: Uncertain significance. Last evaluated: 2025-01-30. Review status: criteria provided, single submitter. Criteria: Invitae Variant Classification Sherloc (09022015). Collection method: clinical testing. Allele origin: germline.
Comment: This sequence change replaces arginine, which is basic and polar, with tryptophan, which is neutral and slightly polar, at codon 465 of the CACNA1B protein (p.Arg465Trp). This variant is present in population databases (rs527584827, gnomAD 0.008%). This variant has not been reported in the literature in individuals affected with CACNA1B-related conditions. An algorithm developed to predict the effect of missense changes on protein structure and function (PolyPhen-2) suggests that this variant¬†is likely to be tolerated. In summary, the available evidence is currently insufficient to determine the role of this variant in disease. Therefore, it has been classified as a Variant of Uncertain Significance.

NM_000718.4(CACNA1B):c.1393C>T (p.Arg465Trp)

Gene: CACNA1B (calcium voltage-gated channel subunit alpha1 B; plus strand). Cytogenetic location: 9q34.3.
Variant type: single nucleotide variant.
Coding change: c.1393C>T on transcript NM_000718.4 (MANE Select); coding-DNA position 1393, C replaced by T.
Protein change: p.Arg465Trp; replaces arginine 465 with tryptophan.
Molecular consequence: missense variant.
Genome position (GRCh38, 1-based): chr9:137,971,442, C>T. VCF-style: chr9-137971442-C-T. GRCh37 (hg19) VCF-style: chr9-140865894-C-T.
Other names: c.1393C>T, p.Arg465Trp (NM_001243812.2); short protein forms R465W.
Identifiers: ClinVar variation 3685700 (VCV003685700.1).